The following is an entry in ClinVar:

ClinVar aggregate classification (germline): Uncertain significance (1 of 4 stars; one submission).

Submission:

GeneDx
Classification: Uncertain significance. Last evaluated: 2024-05-14. Review status: criteria provided, single submitter. Criteria: GeneDx Variant Classification Process June 2021. Collection method: clinical testing. Allele origin: germline. Affected: yes.
Comment: Not observed at significant frequency in large population cohorts (gnomAD); In silico analysis supports that this missense variant has a deleterious effect on protein structure/function; Has not been previously published as pathogenic or benign to our knowledge

NM_002087.4(GRN):c.1030T>C (p.Trp344Arg)

Gene: GRN (granulin precursor; plus strand). Cytogenetic location: 17q21.31.
Variant type: single nucleotide variant.
Coding change: c.1030T>C on transcript NM_002087.4 (MANE Select); coding-DNA position 1030, T replaced by C.
Protein change: p.Trp344Arg; replaces tryptophan 344 with arginine.
Molecular consequence: missense variant.
Genome position (GRCh38, 1-based): chr17:44,351,646, T>C. VCF-style: chr17-44351646-T-C. GRCh37 (hg19) VCF-style: chr17-42429014-T-C.
Other names: short protein forms W344R.
Identifiers: ClinVar variation 3377827 (VCV003377827.1).